The following is an entry in ClinVar:

ClinVar aggregate classification (germline): Uncertain significance. Review status: criteria provided, multiple submitters, no conflicts (2 of 4 stars). 4 submissions from 4 submitters: Uncertain significance (3). 1 of the submissions does not count toward it. Last evaluated 2025-11-23.

Conditions:
Hereditary cancer-predisposing syndrome. Also called: Hereditary neoplastic syndrome; Neoplastic Syndromes, Hereditary; Tumor predisposition; Hereditary Cancer Syndrome. Identifiers: Orphanet 140162, MedGen C0027672, MeSH D009386, MONDO:0015356.
Colorectal cancer, susceptibility to, 12 (CRCS12). Also called: COLORECTAL CANCER, SUSCEPTIBILITY TO, ON CHROMOSOME 12q24. Identifiers: Orphanet 220460, MedGen C3554460, MONDO:0014038, OMIM 615083.

Allele frequency attached by ClinVar (database versions not stated): gnomAD exomes below 0.00001; TOPMed below 0.00001; ExAC 0.00001.
gnomAD v4.1: 4 of 1,614,182 alleles (0.00025%); highest among the groups gnomAD compares: South Asian, 0.0011%; no homozygotes.

Submissions (4):

Labcorp Genetics (formerly Invitae), Labcorp
Classification: Uncertain significance. Last evaluated: 2025-11-23. Review status: criteria provided, single submitter. Criteria: Invitae Variant Classification Sherloc (09022015). Collection method: clinical testing. Allele origin: germline.
Comment: This sequence change replaces asparagine, which is neutral and polar, with serine, which is neutral and polar, at codon 1415 of the POLE protein (p.Asn1415Ser). This variant is present in population databases (rs748378612, gnomAD 0.003%). This variant has not been reported in the literature in individuals affected with POLE-related conditions. ClinVar contains an entry for this variant (Variation ID: 246313). Invitae Evidence Modeling of protein sequence and biophysical properties (such as structural, functional, and spatial information, amino acid conservation, physicochemical variation, residue mobility, and thermodynamic stability) indicates that this missense variant is not expected to disrupt POLE protein function with a negative predictive value of 80%. In summary, the available evidence is currently insufficient to determine the role of this variant in disease. Therefore, it has been classified as a Variant of Uncertain Significance.

Ambry Genetics
Classification: Uncertain significance for Hereditary cancer-predisposing syndrome. Last evaluated: 2025-09-20. Review status: criteria provided, single submitter. Criteria: Ambry Variant Classification Scheme 2023. Collection method: clinical testing. Allele origin: germline.
Comment: The p.N1415S variant (also known as c.4244A>G), located in coding exon 33 of the POLE gene, results from an A to G substitution at nucleotide position 4244. The asparagine at codon 1415 is replaced by serine, an amino acid with highly similar properties. This amino acid position is conserved. In addition, this alteration is predicted to be tolerated by in silico analysis. Since supporting evidence is limited at this time, the clinical significance of this alteration remains unclear.

GeneDx
Classification: Uncertain significance. Last evaluated: 2016-01-12. Review status: criteria provided, single submitter. Criteria: GeneDx Variant Classification (06012015). Collection method: clinical testing. Allele origin: germline. Affected: yes.
Comment: This variant is denoted POLE c.4244A>G at the cDNA level, p.Asn1415Ser (N1415S) at the protein level, and results in the change of an Asparagine to a Serine (AAC>AGC). This variant has not, to our knowledge, been published in the literature as pathogenic or benign. POLE Asn1415Ser was not observed in approximately 6,500 individuals of European and African American ancestry in the NHLBI Exome Sequencing Project, suggesting it is not a common benign variant in these populations. Since Asparagine and Serine share similar properties, this is considered a conservative amino acid substitution. POLE Asn1415Ser occurs at a position that is conserved across species and is not located in a known functional domain. In silico analyses are inconsistent regarding the effect this variant may have on protein structure and function. Based on currently available evidence, it is unclear whether POLE Asn1415Ser is a pathogenic or benign variant. We consider it to be a variant of uncertain significance.

Counsyl
Classification: Uncertain significance for Colorectal cancer, susceptibility to, 12. Last evaluated: 2018-05-03. Review status: no assertion criteria provided. Collection method: clinical testing. Allele origin: unknown. Not counted in ClinVar's aggregate classification.

NM_006231.4(POLE):c.4244A>G (p.Asn1415Ser)

Gene: POLE (DNA polymerase epsilon, catalytic subunit; minus strand). Cytogenetic location: 12q24.33.
Variant type: single nucleotide variant.
Coding change: c.4244A>G on transcript NM_006231.4 (MANE Select); coding-DNA position 4244, A replaced by G.
Protein change: p.Asn1415Ser; replaces asparagine 1415 with serine.
Molecular consequence: missense variant.
Genome position (GRCh38, 1-based): chr12:132,643,883, T>C on the plus strand (A>G on the coding strand, the complement: POLE is on the minus strand). VCF-style: chr12-132643883-T-C. GRCh37 (hg19) VCF-style: chr12-133220469-T-C.
Other names: short protein forms N1415S.
Identifiers: ClinVar variation 246313 (VCV000246313.14), dbSNP rs748378612, ClinGen allele CA6892934.